The following is an entry in ClinVar:

NM_014629.4(ARHGEF10):c.2553G>C (p.Lys851Asn)

Gene: ARHGEF10 (Rho guanine nucleotide exchange factor 10; plus strand). Cytogenetic location: 8p23.3.
Variant type: single nucleotide variant.
Coding change: c.2553G>C on transcript NM_014629.4 (MANE Select); coding-DNA position 2553, G replaced by C.
Protein change: p.Lys851Asn; replaces lysine 851 with asparagine.
Molecular consequence: missense variant.
Genome position (GRCh38, 1-based): chr8:1,925,347, G>C. VCF-style: chr8-1925347-G-C. GRCh37 (hg19) VCF-style: chr8-1873513-G-C.
Other names: c.2439G>C, p.Lys813Asn (NM_001308152.2); c.2553G>C, p.Lys851Asn (NM_001308153.3); short protein forms K851N, K813N, K875N.
Identifiers: ClinVar variation 2828630 (VCV002828630.3), dbSNP rs1168054272, ClinGen allele CA369966592.

ClinVar aggregate classification (germline): Uncertain significance (1 of 4 stars; one submission).

gnomAD v4.1: 1 of 1,614,164 alleles (0.000062%); no homozygotes.

Submission:

Labcorp Genetics (formerly Invitae), Labcorp
Classification: Uncertain significance. Last evaluated: 2023-12-21. Review status: criteria provided, single submitter. Criteria: Invitae Variant Classification Sherloc (09022015). Collection method: clinical testing. Allele origin: germline.
Comment: This sequence change replaces lysine, which is basic and polar, with asparagine, which is neutral and polar, at codon 851 of the ARHGEF10 protein (p.Lys851Asn). This variant is not present in population databases (gnomAD no frequency). This variant has not been reported in the literature in individuals affected with ARHGEF10-related conditions. Advanced modeling of protein sequence and biophysical properties (such as structural, functional, and spatial information, amino acid conservation, physicochemical variation, residue mobility, and thermodynamic stability) has been performed at Invitae for this missense variant, however the output from this modeling did not meet the statistical confidence thresholds required to predict the impact of this variant on ARHGEF10 protein function. In summary, the available evidence is currently insufficient to determine the role of this variant in disease. Therefore, it has been classified as a Variant of Uncertain Significance.